The following is an entry in ClinVar:

NM_000257.4(MYH7):c.4493_4494delinsAT (p.Phe1498Tyr)

Genes: MHRT (myosin heavy chain associated RNA transcript; plus strand), MYH7 (myosin heavy chain 7; minus strand). Cytogenetic location: 14q11.2.
Variant type: Indel.
Coding change: c.4493_4494delinsAT on transcript NM_000257.4 (MANE Select); coding-DNA positions 4493 to 4494, TC replaced by AT.
Protein change: p.Phe1498Tyr; replaces phenylalanine 1498 with tyrosine.
Molecular consequence: missense variant.
Genome position (GRCh38, 1-based): chr14:23,417,178-23,417,179, GA replaced by AT on the plus strand (TC replaced by AT on the coding strand, the reverse complement: MYH7 is on the minus strand). VCF-style: chr14-23417178-GA-AT. GRCh37 (hg19) VCF-style: chr14-23886387-GA-AT.
Other names: c.4493_4494delTCinsAT (NM_000257.4); c.4493_4494delinsAT (NM_000257.3); short protein forms F1498Y.
Identifiers: ClinVar variation 1054697 (VCV001054697.15), dbSNP rs2138645175, ClinGen allele CA2497030235.

ClinVar aggregate classification (germline): Uncertain significance. Review status: criteria provided, multiple submitters, no conflicts (2 of 4 stars). 7 submissions from 7 submitters: Uncertain significance (7). Last evaluated 2025-11-26.

Conditions:
Cardiovascular phenotype. Identifiers: MedGen CN230736.
Hypertrophic cardiomyopathy. Also called: HYPERTROPHIC MYOCARDIOPATHY. Identifiers: Orphanet 217569, MedGen C0007194, MeSH D002312, MONDO:0005045, HP:0001639.
Cardiomyopathy (CMYO). Also called: Cardiomyopathies. Identifiers: Orphanet 167848, MedGen C0878544, MONDO:0004994, HP:0001638. Inheritance: Various modes of inheritance.
Hypertrophic cardiomyopathy 1 (CMH1). Also called: Familial hypertrophic cardiomyopathy 1; MYH7-Related Familial Hypertrophic Cardiomyopathy. Identifiers: MedGen C3495498, MONDO:0008647, OMIM 192600.

Submissions (7):

Labcorp Genetics (formerly Invitae), Labcorp
Classification: Uncertain significance for Hypertrophic cardiomyopathy. Last evaluated: 2025-11-26. Review status: criteria provided, single submitter. Criteria: Invitae Variant Classification Sherloc (09022015). Collection method: clinical testing. Allele origin: germline.
Comment: This sequence change replaces phenylalanine, which is neutral and non-polar, with tyrosine, which is neutral and polar, at codon 1498 of the MYH7 protein (p.Phe1498Tyr). The frequency data for this variant in the population databases is considered unreliable, as metrics indicate poor data quality at this position in the gnomAD database. This missense change has been observed in individual(s) with dilated cardiomyopathy (PMID: 37652022). This variant is also known as c.4493T>A. ClinVar contains an entry for this variant (Variation ID: 1054697). An algorithm developed to predict the effect of missense changes on protein structure and function (PolyPhen-2) suggests that this variant is likely to be disruptive. In summary, the available evidence is currently insufficient to determine the role of this variant in disease. Therefore, it has been classified as a Variant of Uncertain Significance.

Color Diagnostics, LLC DBA Color Health
Classification: Uncertain significance for Cardiomyopathy. Last evaluated: 2025-06-25. Review status: criteria provided, single submitter. Criteria: ACMG Guidelines, 2015. Collection method: clinical testing. Allele origin: germline.
Comment: This missense variant replaces phenylalanine with tyrosine at codon 1498 of the MYH7 protein. To our knowledge, functional studies have not been reported for this variant. This variant has not been reported in individuals affected with MYH7-related disorders in the literature. This variant has not been identified in the general population by the Genome Aggregation Database (gnomAD). The available evidence is insufficient to determine the role of this variant in disease conclusively. Therefore, this variant is classified as a Variant of Uncertain Significance.

Molecular Diagnostic Laboratory for Inherited Cardiovascular Disease, Montreal Heart Institute
Classification: Uncertain significance for Cardiovascular phenotype. Last evaluated: 2025-04-09. Review status: criteria provided, single submitter. Criteria: ACMG Guidelines, 2015. Collection method: clinical testing. Allele origin: germline. Affected: yes.

Ambry Genetics
Classification: Uncertain significance for Cardiovascular phenotype. Last evaluated: 2024-09-10. Review status: criteria provided, single submitter. Criteria: Ambry Variant Classification Scheme 2023. Collection method: clinical testing. Allele origin: germline.
Comment: The c.4493_4494delTCinsAT variant (also known as p.F1498Y), located in coding exon 30 of the MYH7 gene, results from an in-frame deletion of TC and insertion of AT at nucleotide positions 4493 to 4494. This results in the substitution of the phenylalanine residue for a tyrosine residue at codon 1498, an amino acid with highly similar properties. This alteration has been seen in an exome cohort, but detailed cardiovascular history was not provided (Homburger JR et al. Proc Natl Acad Sci U S A, 2016 06;113:6701-6). Based on data from gnomAD, this allele has an overall frequency of <0.01% (1/251492) total alleles studied. The highest observed frequency was <0.01% (1/16256) of African alleles. This amino acid position is not well conserved in available vertebrate species. In addition, this alteration is predicted to be tolerated by in silico analysis. Since supporting evidence is limited at this time, the clinical significance of this alteration remains unclear.

Revvity Omics, Revvity
Classification: Uncertain significance. Last evaluated: 2021-12-08. Review status: criteria provided, single submitter. Criteria: ACMG Guidelines, 2015. Collection method: clinical testing. Allele origin: germline.

Genetics and Molecular Pathology, SA Pathology
Classification: Uncertain significance for Hypertrophic cardiomyopathy 1. Last evaluated: 2021-10-12. Review status: criteria provided, single submitter. Criteria: ACMG Guidelines, 2015. Collection method: clinical testing. Allele origin: germline. Affected: yes.

GeneDx
Classification: Uncertain significance. Last evaluated: 2020-02-24. Review status: criteria provided, single submitter. Criteria: GeneDx Variant Classification Process June 2021. Collection method: clinical testing. Allele origin: germline. Affected: yes.
Comment: Not observed at a significant frequency in large population cohorts (Lek et al., 2016); In silico analysis supports that this variant does not alter protein structure/function; Has not been previously published as pathogenic or benign to our knowledge

Literature cited by the submitters: PubMed 37652022 (cited by Labcorp Genetics (formerly Invitae), Labcorp); PubMed 27247418 (cited by Ambry Genetics).